The following is an entry in ClinVar:

NM_001244008.2(KIF1A):c.2026T>A (p.Tyr676Asn)

Gene: KIF1A (kinesin family member 1A; minus strand). Cytogenetic location: 2q37.3.
Variant type: single nucleotide variant.
Coding change: c.2026T>A on transcript NM_001244008.2 (MANE Select); coding-DNA position 2026, T replaced by A.
Protein change: p.Tyr676Asn; replaces tyrosine 676 with asparagine.
Molecular consequence: missense variant.
Genome position (GRCh38, 1-based): chr2:240,762,809, A>T on the plus strand (T>A on the coding strand, the complement: KIF1A is on the minus strand). VCF-style: chr2-240762809-A-T. GRCh37 (hg19) VCF-style: chr2-241702226-A-T.
Other names: c.2026T>A, p.Tyr676Asn (NM_001320705.2, NM_001330289.2, NM_001379638.1); c.2101T>A, p.Tyr701Asn (NM_001330290.2, NM_001379631.1, NM_001379634.1 and 2 more transcripts); c.1999T>A, p.Tyr667Asn (NM_001379632.1, NM_001379633.1, NM_001379636.1 and 10 more transcripts); c.2074T>A, p.Tyr692Asn (NM_001379637.1, NM_001379648.1); short protein forms Y667N, Y676N, Y692N, Y701N.
Identifiers: ClinVar variation 3753709 (VCV003753709.2).

ClinVar aggregate classification (germline): Uncertain significance (1 of 4 stars; one submission).

Conditions:
Neuropathy, hereditary sensory, type 2C. Also called: KIF1A-Related HSAN2 (HSAN2C); Hereditary sensory and autonomic neuropathy type IIC. Identifiers: Orphanet 970, MedGen C3280168, MONDO:0013634, OMIM 614213.
Hereditary spastic paraplegia 30. Identifiers: Orphanet 101010, MedGen C5235139, MONDO:0012476.
Intellectual disability, autosomal dominant 9 (NESCAVS). Also called: KIF1A-Related Neurodevelopmental Disorder; NESCAV SYNDROME. Identifiers: Orphanet 662367, MedGen C5393830, MONDO:0013656, OMIM 614255.

Submission:

Labcorp Genetics (formerly Invitae), Labcorp
Classification: Uncertain significance for Hereditary spastic paraplegia 30; Neuropathy, hereditary sensory, type 2C; Intellectual disability, autosomal dominant 9. Last evaluated: 2024-12-04. Review status: criteria provided, single submitter. Criteria: Invitae Variant Classification Sherloc (09022015). Collection method: clinical testing. Allele origin: germline.
Comment: This sequence change replaces tyrosine, which is neutral and polar, with asparagine, which is neutral and polar, at codon 667 of the KIF1A protein (p.Tyr667Asn). This variant is not present in population databases (gnomAD no frequency). This variant has not been reported in the literature in individuals affected with KIF1A-related conditions. Invitae Evidence Modeling of protein sequence and biophysical properties (such as structural, functional, and spatial information, amino acid conservation, physicochemical variation, residue mobility, and thermodynamic stability) has been performed for this missense variant. However, the output from this modeling did not meet the statistical confidence thresholds required to predict the impact of this variant on KIF1A protein function. In summary, the available evidence is currently insufficient to determine the role of this variant in disease. Therefore, it has been classified as a Variant of Uncertain Significance.